The following is an entry in ClinVar:

NM_001401501.2(MUC16):c.42720T>C (p.Arg14240=)

Gene: MUC16 (mucin 16, cell surface associated; minus strand). Cytogenetic location: 19p13.2.
Variant type: single nucleotide variant.
Coding change: c.42720T>C on transcript NM_001401501.2 (MANE Select); coding-DNA position 42720, T replaced by C.
Protein change: p.Arg14240=; no amino-acid change (arginine 14240 retained).
Molecular consequence: synonymous variant.
Genome position (GRCh38, 1-based): chr19:8,891,946, A>G on the plus strand (T>C on the coding strand, the complement: MUC16 is on the minus strand). VCF-style: chr19-8891946-A-G. GRCh37 (hg19) VCF-style: chr19-9002622-A-G.
Other names: c.43146T>C, p.Arg14382= (NM_001414686.1); c.42600T>C, p.Arg14200= (NM_001414687.1); c.40194T>C, p.Arg13398= (NM_024690.2).
Identifiers: ClinVar variation 3055818 (VCV003055818.2), dbSNP rs761086641, ClinGen allele CA9163517.

ClinVar aggregate classification (germline): Benign (0 of 4 stars; one submission).

Conditions:
MUC16-related disorder. Also called: MUC16-related condition.

Allele frequency attached by ClinVar (database versions not stated): 1000 Genomes Project 30x 0.05653; ExAC 0.38321.

Submission:

PreventionGenetics, part of Exact Sciences
Classification: Benign for MUC16-related condition. Last evaluated: 2019-02-26. Review status: no assertion criteria provided. Collection method: clinical testing. Allele origin: germline.
Comment: This variant is classified as benign based on ACMG/AMP sequence variant interpretation guidelines (Richards et al. 2015 PMID: 25741868, with internal and published modifications).